The following is an entry in ClinVar:

NM_015335.5(MED13L):c.3556A>G (p.Ile1186Val)

Gene: MED13L (mediator complex subunit 13L; minus strand). Cytogenetic location: 12q24.21.
Variant type: single nucleotide variant.
Coding change: c.3556A>G on transcript NM_015335.5 (MANE Select); coding-DNA position 3556, A replaced by G.
Protein change: p.Ile1186Val; replaces isoleucine 1186 with valine.
Molecular consequence: missense variant.
Genome position (GRCh38, 1-based): chr12:115,991,398, T>C on the plus strand (A>G on the coding strand, the complement: MED13L is on the minus strand). VCF-style: chr12-115991398-T-C. GRCh37 (hg19) VCF-style: chr12-116429203-T-C.
Other names: short protein forms I1186V.
Identifiers: ClinVar variation 2628780 (VCV002628780.1), dbSNP rs969345718, ClinGen allele CA244149843.

ClinVar aggregate classification (germline): Uncertain significance (1 of 4 stars; one submission).

Conditions:
MED13L-related disorder. Also called: MED13L-related condition.

Allele frequency attached by ClinVar (database versions not stated): gnomAD exomes below 0.00001.
gnomAD v4.1: 1 of 1,613,954 alleles (0.000062%); highest among the groups gnomAD compares: Non-Finnish European, 0.000085%; no homozygotes.

Submission:

PreventionGenetics, part of Exact Sciences
Classification: Uncertain significance for MED13L-related condition. Last evaluated: 2023-06-13. Review status: criteria provided, single submitter. Criteria: ACMG Guidelines, 2015. Collection method: clinical testing. Allele origin: germline.
Comment: The MED13L c.3556A>G variant is predicted to result in the amino acid substitution p.Ile1186Val. To our knowledge, this variant has not been reported in the literature or in a large population database, indicating this variant is rare. At this time, the clinical significance of this variant is uncertain due to the absence of conclusive functional and genetic evidence.